The following is an entry in ClinVar:

ClinVar aggregate classification (germline): Uncertain significance (1 of 4 stars; one submission).

Conditions:
Dilated cardiomyopathy 1Z (CMD1Z). Identifiers: Orphanet 154, MedGen C2678475, MONDO:0012745, OMIM 611879.
Hypertrophic cardiomyopathy 13. Also called: TNNC1-Related Familial Hypertrophic Cardiomyopathy. Identifiers: MedGen C2750472, MONDO:0013195, OMIM 613243.

Submission:

Labcorp Genetics (formerly Invitae), Labcorp
Classification: Uncertain significance for Hypertrophic cardiomyopathy 13; Dilated cardiomyopathy 1Z. Last evaluated: 2025-01-20. Review status: criteria provided, single submitter. Criteria: Invitae Variant Classification Sherloc (09022015). Collection method: clinical testing. Allele origin: germline.
Comment: This sequence change replaces methionine, which is neutral and non-polar, with valine, which is neutral and non-polar, at codon 103 of the TNNC1 protein (p.Met103Val). This variant is not present in population databases (gnomAD no frequency). This variant has not been reported in the literature in individuals affected with TNNC1-related conditions. An algorithm developed to predict the effect of missense changes on protein structure and function (PolyPhen-2) suggests that this variant is likely to be tolerated. In summary, the available evidence is currently insufficient to determine the role of this variant in disease. Therefore, it has been classified as a Variant of Uncertain Significance.

NM_003280.3(TNNC1):c.307A>G (p.Met103Val)

Gene: TNNC1 (troponin C1, slow skeletal and cardiac type; minus strand). Cytogenetic location: 3p21.1.
Variant type: single nucleotide variant.
Coding change: c.307A>G on transcript NM_003280.3 (MANE Select); coding-DNA position 307, A replaced by G.
Protein change: p.Met103Val; replaces methionine 103 with valine.
Molecular consequence: missense variant.
Genome position (GRCh38, 1-based): chr3:52,451,754, T>C on the plus strand (A>G on the coding strand, the complement: TNNC1 is on the minus strand). VCF-style: chr3-52451754-T-C. GRCh37 (hg19) VCF-style: chr3-52485770-T-C.
Other names: short protein forms M103V.
Identifiers: ClinVar variation 3752520 (VCV003752520.2).